The following is an entry in ClinVar:

NM_019892.6(INPP5E):c.-174G>A

Gene: INPP5E (inositol polyphosphate-5-phosphatase E; minus strand). Cytogenetic location: 9q34.3.
Variant type: single nucleotide variant.
Coding change: c.-174G>A on transcript NM_019892.6 (MANE Select); 174 bases upstream of the start codon, G replaced by A.
Molecular consequence: 5 prime UTR variant.
Genome position (GRCh38, 1-based): chr9:136,439,593, C>T on the plus strand (G>A on the coding strand, the complement: INPP5E is on the minus strand). VCF-style: chr9-136439593-C-T. GRCh37 (hg19) VCF-style: chr9-139334045-C-T.
Other names: c.-174G>A (NM_001318502.2).
Identifiers: ClinVar variation 365895 (VCV000365895.7), dbSNP rs544247720, ClinGen allele CA10633272.

ClinVar aggregate classification (germline): Benign/Likely benign. Review status: criteria provided, multiple submitters, no conflicts (2 of 4 stars). 3 submissions from 3 submitters: Benign (1); Likely benign (2). Last evaluated 2018-06-16.

Conditions:
Joubert syndrome 1 (JBTS1). Also called: Cerebellooculorenal syndrome 1; CEREBELLOPARENCHYMAL DISORDER IV. Identifiers: MedGen C4551568, MONDO:0008944, OMIM 213300.

Allele frequency attached by ClinVar (database versions not stated): gnomAD 0.01935 and 0.01842; 1000 Genomes Project 0.00679; TOPMed 0.01548; 1000 Genomes Project 30x 0.00874.
gnomAD v4.1: 8,604 of 406,996 alleles (2.1%); highest among the groups gnomAD compares: Non-Finnish European, 2.3%; 135 homozygotes.

Submissions (3):

GeneDx
Classification: Benign. Last evaluated: 2018-06-16. Review status: criteria provided, single submitter. Criteria: GeneDx Variant Classification (06012015). Collection method: clinical testing. Allele origin: germline. Affected: yes.
Comment: This variant is considered likely benign or benign based on one or more of the following criteria: it is a conservative change, it occurs at a poorly conserved position in the protein, it is predicted to be benign by multiple in silico algorithms, and/or has population frequency not consistent with disease.

Illumina Laboratory Services, Illumina
Classification: Likely benign for Joubert syndrome 1. Last evaluated: 2018-01-13. Review status: criteria provided, single submitter. Criteria: ICSL Variant Classification Criteria 13 December 2019. Collection method: clinical testing. Allele origin: germline.
Comment: This variant was observed in the ICSL laboratory as part of a predisposition screen in an ostensibly healthy population. It had not been previously curated by ICSL or reported in the Human Gene Mutation Database (HGMD: prior to June 1st, 2018), and was therefore a candidate for classification through an automated scoring system. Utilizing variant allele frequency, disease prevalence and penetrance estimates, and inheritance mode, an automated score was calculated to assess if this variant is too frequent to cause the disease. Based on the score and internal cut-off values, a variant classified as likely benign is not then subjected to further curation. The score for this variant resulted in a classification of likely benign for this disease.

Breakthrough Genomics
Classification: Likely benign. Review status: criteria provided, single submitter. Criteria: ACMG Guidelines, 2015. Collection method: not provided. Allele origin: germline. Inheritance: Autosomal recessive inheritance. Affected: yes.